The following is an entry in ClinVar:

NM_002047.4(GARS1):c.1963G>A (p.Gly655Arg)

Gene: GARS1 (glycyl-tRNA synthetase 1; plus strand). Cytogenetic location: 7p14.3.
Variant type: single nucleotide variant.
Coding change: c.1963G>A on transcript NM_002047.4 (MANE Select); coding-DNA position 1963, G replaced by A.
Protein change: p.Gly655Arg; replaces glycine 655 with arginine.
Molecular consequence: missense variant.
Genome position (GRCh38, 1-based): chr7:30,632,306, G>A. VCF-style: chr7-30632306-G-A. GRCh37 (hg19) VCF-style: chr7-30671922-G-A.
Other names: c.1801G>A, p.Gly601Arg (NM_001316772.1); short protein forms G601R, G655R.
Identifiers: ClinVar variation 1799896 (VCV001799896.2), dbSNP rs1240181303, ClinGen allele CA367130509.

ClinVar aggregate classification (germline): Uncertain significance (1 of 4 stars; one submission).

Allele frequency attached by ClinVar (database versions not stated): gnomAD exomes below 0.00001; gnomAD 0.00001; TOPMed 0.00001.
gnomAD v4.1: 4 of 1,614,024 alleles (0.00025%); highest among the groups gnomAD compares: Non-Finnish European, 0.00034%; no homozygotes.

Submission:

Ambry Genetics
Classification: Uncertain significance. Last evaluated: 2021-03-16. Review status: criteria provided, single submitter. Criteria: Ambry Variant Classification Scheme 2023. Collection method: clinical testing. Allele origin: germline.
Comment: The p.G655R variant (also known as c.1963G>A), located in coding exon 16 of the GARS gene, results from a G to A substitution at nucleotide position 1963. The glycine at codon 655 is replaced by arginine, an amino acid with dissimilar properties. This amino acid position is highly conserved in available vertebrate species. In addition, this alteration is predicted to be deleterious by in silico analysis. Since supporting evidence is limited at this time, the clinical significance of this alteration remains unclear.